The following is an entry in ClinVar:

ClinVar aggregate classification (germline): Uncertain significance (1 of 4 stars; one submission).

Submission:

GeneDx
Classification: Uncertain significance. Last evaluated: 2025-01-28. Review status: criteria provided, single submitter. Criteria: GeneDx Variant Classification Process June 2021. Collection method: clinical testing. Allele origin: germline. Affected: yes.
Comment: Not observed at significant frequency in large population cohorts (gnomAD); In silico analysis supports that this missense variant has a deleterious effect on protein structure/function; Has not been previously published as pathogenic or benign to our knowledge

NM_003664.5(AP3B1):c.1294G>A (p.Ala432Thr)

Gene: AP3B1 (adaptor related protein complex 3 subunit beta 1; minus strand). Cytogenetic location: 5q14.1.
Variant type: single nucleotide variant.
Coding change: c.1294G>A on transcript NM_003664.5 (MANE Select); coding-DNA position 1294, G replaced by A.
Protein change: p.Ala432Thr; replaces alanine 432 with threonine.
Molecular consequence: missense variant.
Genome position (GRCh38, 1-based): chr5:78,162,888, C>T on the plus strand (G>A on the coding strand, the complement: AP3B1 is on the minus strand). VCF-style: chr5-78162888-C-T. GRCh37 (hg19) VCF-style: chr5-77458712-C-T.
Other names: c.1147G>A, p.Ala383Thr (NM_001271769.2); c.1294G>A, p.Ala432Thr (NM_001410752.1); short protein forms A383T, A432T.
Identifiers: ClinVar variation 4071737 (VCV004071737.1).